The following is an entry in ClinVar:

ClinVar aggregate classification (germline): Uncertain significance (1 of 4 stars; one submission).

Allele frequency attached by ClinVar (database versions not stated): TOPMed below 0.00001; gnomAD exomes 0.00001.

Submission:

Labcorp Genetics (formerly Invitae), Labcorp
Classification: Uncertain significance. Last evaluated: 2025-03-22. Review status: criteria provided, single submitter. Criteria: Invitae Variant Classification Sherloc (09022015). Collection method: clinical testing. Allele origin: germline.
Comment: This sequence change replaces arginine, which is basic and polar, with cysteine, which is neutral and slightly polar, at codon 492 of the ARHGEF1 protein (p.Arg492Cys). This variant is present in population databases (no rsID available, gnomAD 0.002%). This variant has not been reported in the literature in individuals affected with ARHGEF1-related conditions. ClinVar contains an entry for this variant (Variation ID: 1486918). An algorithm developed to predict the effect of missense changes on protein structure and function outputs the following: PolyPhen-2: "Benign". The cysteine amino acid residue is found in multiple mammalian species, which suggests that this missense change does not adversely affect protein function. In summary, the available evidence is currently insufficient to determine the role of this variant in disease. Therefore, it has been classified as a Variant of Uncertain Significance.

NM_004706.4(ARHGEF1):c.1429C>T (p.Arg477Cys)

Gene: ARHGEF1 (Rho guanine nucleotide exchange factor 1; plus strand). Cytogenetic location: 19q13.2.
Variant type: single nucleotide variant.
Coding change: c.1429C>T on transcript NM_004706.4 (MANE Select); coding-DNA position 1429, C replaced by T.
Protein change: p.Arg477Cys; replaces arginine 477 with cysteine.
Molecular consequence: missense variant.
Genome position (GRCh38, 1-based): chr19:41,902,288, C>T. VCF-style: chr19-41902288-C-T. GRCh37 (hg19) VCF-style: chr19-42406438-C-T.
Other names: c.1330C>T, p.Arg444Cys (NM_198977.2); c.1474C>T, p.Arg492Cys (NM_199002.2); short protein forms R477C, R444C, R492C.
Identifiers: ClinVar variation 1486918 (VCV001486918.8), dbSNP rs868927925, ClinGen allele CA308591454.
Genomic context (GRCh38, chr19:41,902,288, plus strand): 5'-ATCTTCCAGACCCTGGTGGAGCATCCCTTTCCTCCTGCCCCCACAGCCCTGTTCCTCGAT[C>T]GCCTGATGAAGCGGAGGCAGGAGAGTGGCTACCTCATCGAGGAGATCGGAGACGTGCTGC-3'
Protein context (NP_004697.2, residues 467-487): LIEVHSLFLD[Arg477Cys]LMKRRQESGY